The following is an entry in ClinVar:

ClinVar aggregate classification (germline): Likely benign. Review status: criteria provided, multiple submitters, no conflicts (2 of 4 stars). 3 submissions from 3 submitters: Likely benign (2). 1 of the submissions does not count toward it. Last evaluated 2026-06-01.

Conditions:
TCF4-related disorder. Also called: TCF4-related condition.

Allele frequency attached by ClinVar (database versions not stated): TOPMed 0.00087; ExAC 0.00113; 1000 Genomes Project 30x 0.00281; gnomAD 0.00318; 1000 Genomes Project 0.00359.
gnomAD v4.1: 2,748 of 1,536,162 alleles (0.18%); highest among the groups gnomAD compares: East Asian, 1.3%; 32 homozygotes.

Submissions (3):

CeGaT Center for Human Genetics Tuebingen
Classification: Likely benign. Last evaluated: 2026-06-01. Review status: criteria provided, single submitter. Criteria: CeGaT Center For Human Genetics Tuebingen Variant Classification Criteria Version 2. Collection method: clinical testing. Allele origin: germline. Affected: yes. Observed: 10 variant alleles.
Comment: TCF4: BP4, BP7, BS1

Blueprint Genetics
Classification: Likely benign. Last evaluated: 2024-11-22. Review status: criteria provided, single submitter. Criteria: ACMG Guidelines, 2015. Collection method: clinical testing. Allele origin: germline.

PreventionGenetics, part of Exact Sciences
Classification: Likely benign for TCF4-related condition. Last evaluated: 2024-04-08. Review status: no assertion criteria provided. Collection method: clinical testing. Allele origin: germline. Not counted in ClinVar's aggregate classification.
Comment: This variant is classified as likely benign based on ACMG/AMP sequence variant interpretation guidelines (Richards et al. 2015 PMID: 25741868, with internal and published modifications).

NM_001083962.2(TCF4):c.550-22814A>G

Gene: TCF4 (transcription factor 4; minus strand). Cytogenetic location: 18q21.2.
Variant type: single nucleotide variant.
Coding change: c.550-22814A>G on transcript NM_001083962.2 (MANE Select); 22814 bases into the intron before coding-DNA position 550, A replaced by G.
Molecular consequence: intron variant. On other transcripts: synonymous variant (2).
Genome position (GRCh38, 1-based): chr18:55,302,470, T>C on the plus strand (A>G on the coding strand, the complement: TCF4 is on the minus strand). VCF-style: chr18-55302470-T-C. GRCh37 (hg19) VCF-style: chr18-52969701-T-C.
Other names: c.15A>G (NM_001348216.1); c.15A>G, p.Gln5= (NM_001243236.2, NM_001348216.2); c.856-22814A>G (NM_001243226.3); c.475-22814A>G (NM_001369584.1, NM_001369576.1, NM_001369585.1 and 3 more transcripts); c.478-22814A>G (NM_001369577.1, NM_001369582.1, NM_001243227.2 and 9 more transcripts); c.550-22814A>G (NM_001369571.1, NM_001369567.1, NM_001369572.1 and 4 more transcripts); c.550-22796A>G (NM_001243228.2); c.544-22814A>G (NM_001243230.2); and 6 more.
Identifiers: ClinVar variation 1879398 (VCV001879398.30), dbSNP rs117175601, ClinGen allele CA8970477.